The following is an entry in ClinVar:

ClinVar aggregate classification (germline): Likely benign. Review status: criteria provided, multiple submitters, no conflicts (2 of 4 stars). 4 submissions from 4 submitters: Likely benign (4). Last evaluated 2026-09-24.

Conditions:
LITAF-related disorder. Also called: LITAF-related condition.
Inborn genetic diseases. Identifiers: MedGen C0950123, MeSH D030342.
Charcot-Marie-Tooth disease type 1C. Also called: CHARCOT-MARIE-TOOTH DISEASE, DEMYELINATING, TYPE 1C; CMT, SLOW NERVE CONDUCTION TYPE C; HMSN IC; CHARCOT-MARIE-TOOTH NEUROPATHY, TYPE 1C; NEUROPATHY, HEREDITARY MOTOR AND SENSORY, TYPE IC; Charcot-Marie-Tooth disease, type IC. Identifiers: Orphanet 101083, MedGen C0270913, MONDO:0010995, OMIM 601098.

Allele frequency attached by ClinVar (database versions not stated): ExAC 0.00002; gnomAD exomes 0.00002 and 0.00010; gnomAD 0.00004; TOPMed 0.00005.
gnomAD v4.1: 154 of 1,614,006 alleles (0.0095%); highest among the groups gnomAD compares: Middle Eastern, 0.016%; no homozygotes.

Submissions (4):

PreventionGenetics, part of Exact Sciences
Classification: Likely benign for LITAF-related condition. Last evaluated: 2026-09-24. Review status: criteria provided, single submitter. Criteria: ACMG Guidelines, 2015. Collection method: clinical testing. Allele origin: germline.
Comment: This variant is classified as likely benign based on ACMG/AMP sequence variant interpretation guidelines (Richards et al. 2015 PMID: 25741868, with internal and published modifications).

Labcorp Genetics (formerly Invitae), Labcorp
Classification: Likely benign for Charcot-Marie-Tooth disease type 1C. Last evaluated: 2025-10-03. Review status: criteria provided, single submitter. Criteria: Invitae Variant Classification Sherloc (09022015). Collection method: clinical testing. Allele origin: germline.

ARUP Laboratories, Molecular Genetics and Genomics, ARUP Laboratories
Classification: Likely benign for Charcot-Marie-Tooth disease type 1C. Last evaluated: 2025-04-04. Review status: criteria provided, single submitter. Criteria: ARUP Molecular Germline Variant Investigation Process 2024. Collection method: clinical testing. Allele origin: germline.

Ambry Genetics
Classification: Likely benign for Inborn genetic diseases. Last evaluated: 2019-07-11. Review status: criteria provided, single submitter. Criteria: Ambry Variant Classification Scheme 2023. Collection method: clinical testing. Allele origin: germline.

NM_001136472.2(LITAF):c.135G>A (p.Thr45=)

Gene: LITAF (lipopolysaccharide induced TNF factor; minus strand). Cytogenetic location: 16p13.13.
Variant type: single nucleotide variant.
Coding change: c.135G>A on transcript NM_001136472.2 (MANE Select); coding-DNA position 135, G replaced by A.
Protein change: p.Thr45=; no amino-acid change (threonine 45 retained).
Molecular consequence: synonymous variant. On other transcripts: non-coding transcript variant (1).
Genome position (GRCh38, 1-based): chr16:11,556,596, C>T on the plus strand (G>A on the coding strand, the complement: LITAF is on the minus strand). VCF-style: chr16-11556596-C-T. GRCh37 (hg19) VCF-style: chr16-11650452-C-T.
Other names: c.135G>A, p.Thr45= (NM_001136473.1, NM_004862.4).
Identifiers: ClinVar variation 574204 (VCV000574204.14), dbSNP rs758166691, ClinGen allele CA7904174.